The following is an entry in ClinVar:

NM_000089.4(COL1A2):c.1573G>T (p.Asp525Tyr)

Gene: COL1A2 (collagen type I alpha 2 chain; plus strand). Cytogenetic location: 7q21.3.
Variant type: single nucleotide variant.
Coding change: c.1573G>T on transcript NM_000089.4 (MANE Select); coding-DNA position 1573, G replaced by T.
Protein change: p.Asp525Tyr; replaces aspartic acid 525 with tyrosine.
Molecular consequence: missense variant.
Genome position (GRCh38, 1-based): chr7:94,413,705, G>T. VCF-style: chr7-94413705-G-T. GRCh37 (hg19) VCF-style: chr7-94043017-G-T.
Other names: short protein forms D525Y.
Identifiers: ClinVar variation 948770 (VCV000948770.12), dbSNP rs147074348, ClinGen allele CA4347123.

ClinVar aggregate classification (germline): Uncertain significance. Review status: criteria provided, multiple submitters, no conflicts (2 of 4 stars). 2 submissions from 2 submitters: Uncertain significance (2). Last evaluated 2026-01-22.

Conditions:
Osteogenesis imperfecta type I (OI1). Also called: Lobstein's Disease; OI, TYPE I; OSTEOGENESIS IMPERFECTA TARDA; OSTEOGENESIS IMPERFECTA WITH BLUE SCLERAE; Osteogenesis imperfecta type 1; Lobstein disease. Identifiers: Orphanet 216796, Orphanet 666, MedGen C0023931, MONDO:0008146, OMIM 166200. Disease mechanism: loss of function.
Ehlers-Danlos syndrome, classic type, 1 (EDSCL1). Also called: Ehlers-Danlos syndrome, type 1; EHLERS-DANLOS SYNDROME, GRAVIS TYPE; EHLERS-DANLOS SYNDROME, SEVERE CLASSIC TYPE; EDS I; Ehlers-Danlos Syndrome, Classic Type, COL5A1-Related. Identifiers: MedGen C0268335, MONDO:0019567, OMIM 130000.

Allele frequency attached by ClinVar (database versions not stated): gnomAD exomes 0.00001; ExAC 0.00001; gnomAD 0.00001; TOPMed 0.00001; ESP Exome Variant Server 0.00008.
gnomAD v4.1: 4 of 1,614,106 alleles (0.00025%); highest among the groups gnomAD compares: African/African-American, 0.0013%; no homozygotes.

Submissions (2):

Labcorp Genetics (formerly Invitae), Labcorp
Classification: Uncertain significance for Osteogenesis imperfecta type I; Ehlers-Danlos syndrome, classic type, 1. Last evaluated: 2026-01-22. Review status: criteria provided, single submitter. Criteria: Invitae Variant Classification Sherloc (09022015). Collection method: clinical testing. Allele origin: germline.
Comment: This sequence change replaces aspartic acid, which is acidic and polar, with tyrosine, which is neutral and polar, at codon 525 of the COL1A2 protein (p.Asp525Tyr). This variant is present in population databases (rs147074348, gnomAD 0.008%). This variant has not been reported in the literature in individuals affected with COL1A2-related conditions. ClinVar contains an entry for this variant (Variation ID: 948770). Invitae Evidence Modeling of protein sequence and biophysical properties (such as structural, functional, and spatial information, amino acid conservation, physicochemical variation, residue mobility, and thermodynamic stability) indicates that this missense variant is expected to disrupt COL1A2 protein function with a positive predictive value of 95%. In summary, the available evidence is currently insufficient to determine the role of this variant in disease. Therefore, it has been classified as a Variant of Uncertain Significance.

GeneDx
Classification: Uncertain significance. Last evaluated: 2023-07-27. Review status: criteria provided, single submitter. Criteria: GeneDx Variant Classification Process June 2021. Collection method: clinical testing. Allele origin: germline. Affected: yes.
Comment: Has not been previously published as pathogenic or benign to our knowledge; Not observed at significant frequency in large population cohorts (gnomAD); In silico analysis supports that this missense variant has a deleterious effect on protein structure/function; Occurs in the triple helical domain at the Y position in the canonical Gly-X-Y repeat; although this variant may have an effect on normal protein folding and function, missense substitution at the Y position is not a common mechanism of disease (HGMD)